The following is an entry in ClinVar:

ClinVar aggregate classification (germline): Uncertain significance (1 of 4 stars; one submission).

Conditions:
Cardiovascular phenotype. Identifiers: MedGen CN230736.

Submission:

Ambry Genetics
Classification: Uncertain significance for Cardiovascular phenotype. Last evaluated: 2026-09-07. Review status: criteria provided, single submitter. Criteria: Ambry Variant Classification Scheme 2023. Collection method: clinical testing. Allele origin: germline.
Comment: The p.A1953T variant (also known as c.5857G>A), located in coding exon 27 of the SCN10A gene, results from a G to A substitution at nucleotide position 5857. The alanine at codon 1953 is replaced by threonine, an amino acid with similar properties. This amino acid position is conserved. In addition, this alteration is predicted to be tolerated by in silico analysis. Based on the available evidence, the clinical significance of this variant remains unclear.

NM_006514.4(SCN10A):c.5857G>A (p.Ala1953Thr)

Gene: SCN10A (sodium voltage-gated channel alpha subunit 10; minus strand). Cytogenetic location: 3p22.2.
Variant type: single nucleotide variant.
Coding change: c.5857G>A on transcript NM_006514.4 (MANE Select); coding-DNA position 5857, G replaced by A.
Protein change: p.Ala1953Thr; replaces alanine 1953 with threonine.
Molecular consequence: missense variant.
Genome position (GRCh38, 1-based): chr3:38,697,363, C>T on the plus strand (G>A on the coding strand, the complement: SCN10A is on the minus strand). VCF-style: chr3-38697363-C-T. GRCh37 (hg19) VCF-style: chr3-38738854-C-T.
Other names: c.5854G>A, p.Ala1952Thr (NM_001293306.2); c.5563G>A, p.Ala1855Thr (NM_001293307.2); short protein forms A1953T, A1855T, A1952T.
Identifiers: ClinVar variation 5029100 (VCV005029100.1).